The following is an entry in ClinVar:

NM_001737.5(C9):c.415del (p.Arg139fs)

Gene: C9 (complement C9; minus strand). Cytogenetic location: 5p13.1.
Variant type: Deletion.
Coding change: c.415del on transcript NM_001737.5 (MANE Select); coding-DNA position 415, one base deleted (C; older notation c.415delC).
Protein change: p.Arg139fs; shifts the reading frame from arginine 139.
Molecular consequence: frameshift variant.
Genome position (GRCh38, 1-based): chr5:39,341,207, G deleted on the plus strand (C on the coding strand, the reverse complement: C9 is on the minus strand); the first of 4 consecutive G bases (chr5:39,341,207-39,341,210); deleting any one gives the same sequence. VCF-style (leftmost placement, unchanged base first): chr5-39341206-CG-C. GRCh37 (hg19) VCF-style: chr5-39341308-CG-C.
Other names: short protein forms R139fs.
Identifiers: ClinVar variation 2033505 (VCV002033505.4), dbSNP rs1754072533, ClinGen allele CA1540658040.
Genomic context (GRCh38, chr5:39,341,206, plus strand): 5'-CCATAGCCTGCTGTTCGTGCCAGCTCAGACTCTTCTACCACTCTGTCTCTGCAGGGGGGA[CG>C]GGGCTCACTTTCACAATCATCCTCATCTGAAAAGTCTCCGCAGTCATTGTCACCATTACA-3'

ClinVar aggregate classification (germline): Pathogenic (1 of 4 stars; one submission).

Submission:

Labcorp Genetics (formerly Invitae), Labcorp
Classification: Pathogenic. Last evaluated: 2022-12-03. Review status: criteria provided, single submitter. Criteria: Invitae Variant Classification Sherloc (09022015). Collection method: clinical testing. Allele origin: germline.
Comment: For these reasons, this variant has been classified as Pathogenic. This variant has not been reported in the literature in individuals affected with C9-related conditions. This variant is not present in population databases (gnomAD no frequency). This sequence change creates a premature translational stop signal (p.Arg139Valfs*9) in the C9 gene. It is expected to result in an absent or disrupted protein product. Loss-of-function variants in C9 are known to be pathogenic (PMID: 9144525, 9570574).

Literature cited by the submitters: PubMed 9144525; PubMed 9570574.